The following is an entry in ClinVar:

ClinVar aggregate classification (germline): Uncertain significance. Review status: criteria provided, multiple submitters, no conflicts (2 of 4 stars). 2 submissions from 2 submitters: Uncertain significance (2). Last evaluated 2024-01-04.

Conditions:
Werner syndrome (WRN). Identifiers: Orphanet 902, MedGen C0043119, MONDO:0010196, OMIM 277700.

Submissions (2):

Labcorp Genetics (formerly Invitae), Labcorp
Classification: Uncertain significance for Werner syndrome. Last evaluated: 2024-01-04. Review status: criteria provided, single submitter. Criteria: Invitae Variant Classification Sherloc (09022015). Collection method: clinical testing. Allele origin: germline.
Comment: This sequence change replaces phenylalanine, which is neutral and non-polar, with leucine, which is neutral and non-polar, at codon 1222 of the WRN protein (p.Phe1222Leu). This variant is not present in population databases (gnomAD no frequency). This variant has not been reported in the literature in individuals affected with WRN-related conditions. ClinVar contains an entry for this variant (Variation ID: 1995545). An algorithm developed to predict the effect of missense changes on protein structure and function (PolyPhen-2) suggests that this variant is likely to be disruptive. In summary, the available evidence is currently insufficient to determine the role of this variant in disease. Therefore, it has been classified as a Variant of Uncertain Significance.

Breakthrough Genomics
Classification: Uncertain significance. Review status: criteria provided, single submitter. Criteria: ACMG Guidelines, 2015. Collection method: not provided. Allele origin: germline. Inheritance: Autosomal recessive inheritance. Affected: yes.

NM_000553.6(WRN):c.3664T>C (p.Phe1222Leu)

Gene: WRN (WRN RecQ like helicase; plus strand). Cytogenetic location: 8p12.
Variant type: single nucleotide variant.
Coding change: c.3664T>C on transcript NM_000553.6 (MANE Select); coding-DNA position 3664, T replaced by C.
Protein change: p.Phe1222Leu; replaces phenylalanine 1222 with leucine.
Molecular consequence: missense variant.
Genome position (GRCh38, 1-based): chr8:31,150,432, T>C. VCF-style: chr8-31150432-T-C. GRCh37 (hg19) VCF-style: chr8-31007948-T-C.
Other names: short protein forms F1222L.
Identifiers: ClinVar variation 1995545 (VCV001995545.5), dbSNP rs2536049803, ClinGen allele CA370928044.